The following is an entry in ClinVar:

NM_001034853.2(RPGR):c.1481G>T (p.Gly494Val)

Gene: RPGR (retinitis pigmentosa GTPase regulator; minus strand). Cytogenetic location: Xp11.4.
Variant type: single nucleotide variant.
Coding change: c.1481G>T on transcript NM_001034853.2 (MANE Select); coding-DNA position 1481, G replaced by T.
Protein change: p.Gly494Val; replaces glycine 494 with valine.
Molecular consequence: missense variant. On other transcripts: non-coding transcript variant (5).
Genome position (GRCh38, 1-based): chrX:38,291,418, C>A on the plus strand (G>T on the coding strand, the complement: RPGR is on the minus strand). VCF-style: chrX-38291418-C-A. GRCh37 (hg19) VCF-style: chrX-38150671-C-A.
Other names: c.1481G>T, p.Gly494Val (NM_000328.3, NM_001367247.1); c.1478G>T, p.Gly493Val (NM_001367245.1, NM_001367249.1, NM_001367250.1); c.1295G>T, p.Gly432Val (NM_001367246.1, NM_001367251.1); c.1511G>T, p.Gly504Val (NM_001367248.1); c.1481G>T (NM_000328.2, NM_001034853.1); short protein forms G432V, G493V, G494V, G504V.
Identifiers: ClinVar variation 1172695 (VCV001172695.12), dbSNP rs2147212880, ClinGen allele CA412737772.

ClinVar aggregate classification (germline): Conflicting classifications of pathogenicity. Review status: criteria provided, conflicting classifications (1 of 4 stars). 4 submissions from 4 submitters: Likely pathogenic (1); Uncertain significance (3). Last evaluated 2025-08-12.

Conditions:
Primary ciliary dyskinesia. Also called: Ciliary dyskinesia. Identifiers: Orphanet 244, MedGen C0008780, MONDO:0016575, HP:0012265.
RPGR-related disorder. Also called: RPGR-related condition.
Retinitis pigmentosa 3. Also called: CHOROIDORETINAL DEGENERATION WITH RETINAL REFLEX IN HETEROZYGOUS WOMEN. Identifiers: Orphanet 791, MedGen C1845667, MONDO:0010227, OMIM 300029.

Submissions (4):

Labcorp Genetics (formerly Invitae), Labcorp
Classification: Uncertain significance for Primary ciliary dyskinesia. Last evaluated: 2025-08-12. Review status: criteria provided, single submitter. Criteria: Invitae Variant Classification Sherloc (09022015). Collection method: clinical testing. Allele origin: germline.
Comment: This sequence change replaces glycine, which is neutral and non-polar, with valine, which is neutral and non-polar, at codon 494 of the RPGR protein (p.Gly494Val). This variant is not present in population databases (gnomAD no frequency). This missense change has been observed in individuals with retinitis pigmentosa (PMID: 34828430; internal data). ClinVar contains an entry for this variant (Variation ID: 1172695). Invitae Evidence Modeling of protein sequence and biophysical properties (such as structural, functional, and spatial information, amino acid conservation, physicochemical variation, residue mobility, and thermodynamic stability) indicates that this missense variant is not expected to disrupt RPGR protein function with a negative predictive value of 80%. In summary, the available evidence is currently insufficient to determine the role of this variant in disease. Therefore, it has been classified as a Variant of Uncertain Significance.

PreventionGenetics, part of Exact Sciences
Classification: Uncertain significance for RPGR-related condition. Last evaluated: 2025-03-10. Review status: criteria provided, single submitter. Criteria: ACMG Guidelines, 2015. Collection method: clinical testing. Allele origin: germline.
Comment: The RPGR c.1481G>T variant is predicted to result in the amino acid substitution p.Gly494Val. This variant has been reported with uncertain significance in two large cohort studies of inherited retinal disease (Villanueva-Mendoza et al. 2021. PubMed ID: 34828430; Table S1, Schlottmann et al. 2023. PubMed ID: 37217489). This variant has not been reported in the large population database (gnomAD), indicating this variant is rare. Although we suspect that this variant may be pathogenic, at this time, the clinical significance of this variant is uncertain due to the absence of conclusive functional and genetic evidence.

Blueprint Genetics
Classification: Likely pathogenic for RPGR-related disorders. Last evaluated: 2021-07-01. Review status: criteria provided, single submitter. Criteria: ACMG Guidelines, 2015. Collection method: clinical testing. Allele origin: germline. Affected: yes. Observed: 1 variant allele.

DBGen Ocular Genomics
Classification: Uncertain significance for Retinitis pigmentosa 3. Last evaluated: 2021-05-25. Review status: criteria provided, single submitter. Criteria: ACMG Guidelines, 2015. Collection method: clinical testing. Allele origin: germline. Affected: yes. Observed: 1 variant allele.

Literature cited by the submitters: PubMed 34828430 (cited by Labcorp Genetics (formerly Invitae), Labcorp).